The following is an entry in ClinVar:

ClinVar aggregate classification (germline): Uncertain significance (1 of 4 stars; one submission).

gnomAD v4.1: 1 of 1,613,580 alleles (0.000062%); no homozygotes.

Submission:

Labcorp Genetics (formerly Invitae), Labcorp
Classification: Uncertain significance. Last evaluated: 2022-10-07. Review status: criteria provided, single submitter. Criteria: Invitae Variant Classification Sherloc (09022015). Collection method: clinical testing. Allele origin: germline.
Comment: This variant is not present in population databases (gnomAD no frequency). This variant has not been reported in the literature in individuals affected with TOP1MT-related conditions. Advanced modeling of protein sequence and biophysical properties (such as structural, functional, and spatial information, amino acid conservation, physicochemical variation, residue mobility, and thermodynamic stability) has been performed at Invitae for this missense variant, however the output from this modeling did not meet the statistical confidence thresholds required to predict the impact of this variant on TOP1MT protein function. In summary, the available evidence is currently insufficient to determine the role of this variant in disease. Therefore, it has been classified as a Variant of Uncertain Significance. This sequence change replaces threonine, which is neutral and polar, with arginine, which is basic and polar, at codon 554 of the TOP1MT protein (p.Thr554Arg).

NM_052963.3(TOP1MT):c.1661C>G (p.Thr554Arg)

Gene: TOP1MT (DNA topoisomerase I mitochondrial; minus strand). Cytogenetic location: 8q24.3.
Variant type: single nucleotide variant.
Coding change: c.1661C>G on transcript NM_052963.3 (MANE Select); coding-DNA position 1661, C replaced by G.
Protein change: p.Thr554Arg; replaces threonine 554 with arginine.
Molecular consequence: missense variant.
Genome position (GRCh38, 1-based): chr8:143,310,110, G>C on the plus strand (C>G on the coding strand, the complement: TOP1MT is on the minus strand). VCF-style: chr8-143310110-G-C. GRCh37 (hg19) VCF-style: chr8-144392280-G-C.
Other names: c.1367C>G, p.Thr456Arg (NM_001258446.1, NM_001258447.1); short protein forms T456R, T554R.
Identifiers: ClinVar variation 1966568 (VCV001966568.5), dbSNP rs761519188, ClinGen allele CA187515368.
Genomic context (GRCh38, chr8:143,310,110, plus strand): 5'-GACCCCAGGCACACGCACCAGGCAATGCTGATCCTGGGGTCCAGGTAGTTGAGCTTGGAC[G>C]TGCCCAGGGCCACCTGCTTGTTCTCCTCCTTGTCCGTGGCCTGCACACTCAGCTGCGCCA-3'
Protein context (NP_443195.1, residues 544-564): KEENKQVALG[Thr554Arg]SKLNYLDPRI